The following is an entry in ClinVar:

NM_000038.6(APC):c.1621C>T (p.Gln541Ter)

Gene: APC (APC regulator of Wnt signaling pathway; plus strand). Cytogenetic location: 5q22.2.
Variant type: single nucleotide variant.
Coding change: c.1621C>T on transcript NM_000038.6 (MANE Select); coding-DNA position 1621, C replaced by T.
Protein change: p.Gln541Ter; replaces glutamine 541 with a stop codon.
Molecular consequence: nonsense.
Genome position (GRCh38, 1-based): chr5:112,828,001, C>T. VCF-style: chr5-112828001-C-T. GRCh37 (hg19) VCF-style: chr5-112163698-C-T.
Other names: c.1621C>T, p.Gln541Ter (NM_001127510.3, NM_001354895.2); c.1567C>T, p.Gln523Ter (NM_001127511.3); c.1675C>T, p.Gln559Ter (NM_001354896.2); c.1651C>T, p.Gln551Ter (NM_001354897.2); c.1546C>T, p.Gln516Ter (NM_001354898.2); c.1537C>T, p.Gln513Ter (NM_001354899.2); c.1498C>T, p.Gln500Ter (NM_001354900.2); c.1444C>T, p.Gln482Ter (NM_001354901.2); and 5 more; short protein forms Q541*, Q523*, Q381*, Q513*, Q516*, Q551*, Q415*, Q440*.
Identifiers: ClinVar variation 806 (VCV000000806.30), dbSNP rs137854572, ClinGen allele CA005374.

ClinVar aggregate classification (germline): Pathogenic. Review status: criteria provided, multiple submitters, no conflicts (2 of 4 stars). 10 submissions from 9 submitters: Pathogenic (7). 3 of the submissions do not count toward it. Last evaluated 2025-07-30.

Conditions:
Inherited polyposis and early onset colorectal cancer - germline testing.
Hereditary cancer-predisposing syndrome. Also called: Tumor predisposition; Hereditary Cancer Syndrome; Neoplastic Syndromes, Hereditary; Hereditary neoplastic syndrome. Identifiers: Orphanet 140162, MedGen C0027672, MeSH D009386, MONDO:0015356.
Familial adenomatous polyposis 1 (FAP1). Also called: POLYPOSIS, ADENOMATOUS INTESTINAL; FAMILIAL ADENOMATOUS POLYPOSIS 1, ATTENUATED. Identifiers: MedGen C2713442, MONDO:0021056, OMIM 175100. Disease mechanism: loss of function.
Carcinoma of colon (CRC). Also called: Colonic carcinoma; Colon carcinoma. Identifiers: MedGen C0699790, MONDO:0002032.
BRAIN TUMOR-POLYPOSIS SYNDROME 2 (BTPS2). Identifiers: MedGen C2673218, OMIM 175100.

Submissions (10):

Labcorp Genetics (formerly Invitae), Labcorp
Classification: Pathogenic for Familial adenomatous polyposis 1. Last evaluated: 2025-07-30. Review status: criteria provided, single submitter. Criteria: Invitae Variant Classification Sherloc (09022015). Collection method: clinical testing. Allele origin: germline.
Comment: This sequence change creates a premature translational stop signal (p.Gln541*) in the APC gene. It is expected to result in an absent or disrupted protein product. Loss-of-function variants in APC are known to be pathogenic (PMID: 17963004, 20685668). This variant is not present in population databases (gnomAD no frequency). This premature translational stop signal has been observed in individual(s) with familial adenomatous polyposis (FAP) (PMID: 1316610, 1324223, 11317365, 20223039, 20685668). ClinVar contains an entry for this variant (Variation ID: 806). For these reasons, this variant has been classified as Pathogenic.

Quest Diagnostics Nichols Institute San Juan Capistrano
Classification: Pathogenic. Last evaluated: 2025-06-25. Review status: criteria provided, single submitter. Criteria: Quest Diagnostics criteria. Collection method: clinical testing. Allele origin: unknown.
Comment: The APC c.1621C>T (p.Gln541*) variant causes the premature termination of APC protein synthesis. This variant has been reported in the published literature in individuals with familial adenomatous polyposis (PMID: 11317365 (2001), 1316610 (1992), 1324223 (1992), 15108288 (2004), 20223039 (2005), 31062380 (2019)). This variant has not been reported in large, multi-ethnic general populations (Genome Aggregation Database). Based on the available information, this variant is classified as pathogenic.

Ambry Genetics
Classification: Pathogenic for Hereditary cancer-predisposing syndrome. Last evaluated: 2025-05-28. Review status: criteria provided, single submitter. Criteria: Ambry Variant Classification Scheme 2023. Collection method: clinical testing. Allele origin: germline.
Comment: The p.Q541* pathogenic mutation (also known as c.1621C>T), located in coding exon 12 of the APC gene, results from a C to T substitution at nucleotide position 1621. This changes the amino acid from a glutamine to a stop codon within coding exon 12. This mutation has been reported in multiple individuals of various ethnicities diagnosed with familial adenomatous polyposis (FAP) (Miyoshi Y et al. Proc Natl Acad Sci U S A, 1992 May;89:4452-6; Fodde R et al. Genomics, 1992 Aug;13:1162-8; van der Luijt RB et al. Hum. Mutat., 1997;9:7-16; Wallis YL et al. J Med Genet, 1999 Jan;36:14-20; Resta N et al. Hum Mutat, 2001 May;17:434-5; De Rosa M et al. Hum Mutat, 2004 May;23:523-4; Friedl W et al. Hered Cancer Clin Pract, 2005 Sep;3:95-114; Li N et al. J Gastroenterol Hepatol, 2019 Sep;34:1497-1503; Ambry internal data). This variant is considered to be rare based on population cohorts in the Genome Aggregation Database (gnomAD). In addition to the clinical data presented in the literature, this alteration is expected to result in loss of function by premature protein truncation or nonsense-mediated mRNA decay. As such, this alteration is interpreted as a disease-causing mutation.

Cambridge Genomics Laboratory, East Genomic Laboratory Hub, NHS Genomic Medicine Service
Classification: Pathogenic for Inherited polyposis and early onset colorectal cancer - germline testing. Last evaluated: 2024-07-16. Review status: criteria provided, single submitter. Criteria: ACGS Best Practice Guidelines for Variant Classification in Rare Disease 2020. Collection method: clinical testing. Allele origin: germline. Affected: yes.
Comment: PVS1,PS4_Supporting,PM2_Supporting

Myriad Genetics, Inc.
Classification: Pathogenic for Familial adenomatous polyposis 1. Last evaluated: 2023-05-02. Review status: criteria provided, single submitter. Criteria: Myriad Autosomal Dominant, Autosomal Recessive and X-Linked Classification Criteria (2023). Collection method: clinical testing. Allele origin: unknown.
Comment: This variant is considered pathogenic. This variant creates a termination codon and is predicted to result in premature protein truncation.

Eurofins Ntd Llc (ga)
Classification: Pathogenic. Last evaluated: 2018-03-06. Review status: criteria provided, single submitter. Criteria: EGL ClinVar v180209 classification definitions. Collection method: clinical testing. Allele origin: germline. Observed: 1 variant allele, 1 heterozygote.

GeneDx
Classification: Pathogenic. Last evaluated: 2017-10-24. Review status: criteria provided, single submitter. Criteria: GeneDx Variant Classification (06012015). Collection method: clinical testing. Allele origin: germline. Affected: yes.
Comment: This variant is denoted APC c.1621C>T at the cDNA level and p.Gln541Ter (Q541X) at the protein level. The substitution creates a nonsense variant, which changes a Glutamine to a premature stop codon (CAG>TAG), and is predicted to cause loss of normal protein function through either protein truncation or nonsense-mediated mRNA decay. This variant has been reported several individuals with polyposis (Abraham 2000, De Rosa 2004, Fodde 1992, Friedl 2005, Miyoshi 1992, Resta 2001, Wallis 1999) and is considered pathogenic.

OMIM
Classification: Pathogenic for FAMILIAL ADENOMATOUS POLYPOSIS 1. Last evaluated: 1995-03-30. Review status: no assertion criteria provided. Collection method: literature only. Allele origin: germline. Not counted in ClinVar's aggregate classification.

OMIM
Classification: Pathogenic for BRAIN TUMOR-POLYPOSIS SYNDROME 2. Last evaluated: 1995-03-30. Review status: no assertion criteria provided. Collection method: literature only. Allele origin: germline. Not counted in ClinVar's aggregate classification.

Department of Pathology and Laboratory Medicine, Sinai Health System
Classification: Pathogenic for Carcinoma of colon. Review status: no assertion criteria provided. Collection method: clinical testing. Allele origin: unknown. Affected: yes. Study: The Canadian Open Genetics Repository (COGR). Not counted in ClinVar's aggregate classification.
Comment: The p.Gln541X variant has been previously reported in the literature in at least 5 of 2936 proband chromsomes from individuals with familial adenomatous polyposis (Miyoshi 1992, Friedl 2005, Van der Luijt 2997, Fodde 1992, Wallis 1999). Furthermore, the variant was shown to segregate with disease in at least 4 affected family members increasing the likelihood this variant is pathogenic. This variant has also been reported in the HGMD, UMD, Cosmic, dbSNP (rs137854572), and LOVD databases. The p.Gln541X variant leads to a premature stop codon at position 541, which is predicted to lead to a truncated or absent protein and loss of function. Loss of function variants of the APC gene are an established mechanism of disease in familial adenomatous polyposis and is the type of variant expected to cause the disorder. In summary, based on the above information, this variant is classified as pathogenic.

Literature cited by the submitters: PubMed 17963004 (cited by Labcorp Genetics (formerly Invitae), Labcorp); PubMed 20685668 (cited by Labcorp Genetics (formerly Invitae), Labcorp); PubMed 1316610 (cited by 3 submitters); PubMed 1324223 (cited by 4 submitters); PubMed 11317365 (cited by 3 submitters); PubMed 20223039 (cited by 3 submitters); PubMed 31062380 (cited by Quest Diagnostics Nichols Institute San Juan Capistrano and Ambry Genetics); PubMed 15108288 (cited by Quest Diagnostics Nichols Institute San Juan Capistrano and Ambry Genetics); PubMed 9950360 (cited by Quest Diagnostics Nichols Institute San Juan Capistrano and Ambry Genetics); PubMed 8990002 (cited by Quest Diagnostics Nichols Institute San Juan Capistrano and Ambry Genetics); PubMed 7661930 (cited by Quest Diagnostics Nichols Institute San Juan Capistrano and OMIM).